The following is an entry in ClinVar:

ClinVar aggregate classification (germline): Benign/Likely benign. Review status: criteria provided, multiple submitters, no conflicts (2 of 4 stars). 3 submissions from 3 submitters: Benign (1); Likely benign (2). Last evaluated 2025-09-04.

Conditions:
Familial cancer of breast. Also called: Hereditary breast cancer; hereditary breast carcinoma; BREAST CANCER, FAMILIAL. Identifiers: Orphanet 227535, MedGen C0346153, MONDO:0016419, OMIM 114480. Disease mechanism: loss of function.
Hereditary cancer-predisposing syndrome. Also called: Hereditary Cancer Syndrome; Tumor predisposition; Neoplastic Syndromes, Hereditary; Hereditary neoplastic syndrome. Identifiers: Orphanet 140162, MedGen C0027672, MeSH D009386, MONDO:0015356.
Ataxia-telangiectasia syndrome (AT). Also called: Ataxia telangiectasia (A-T); Cerebello-oculocutaneous telangiectasia; Immunodeficiency with ataxia telangiectasia; Ataxia-telangiectasia, complementation group D; AT, COMPLEMENTATION GROUP C; LOUIS-BAR SYNDROME. Identifiers: Orphanet 100, MedGen C0004135, MONDO:0008840, OMIM 208900.

Submissions (3):

Ambry Genetics
Classification: Likely benign for Hereditary cancer-predisposing syndrome. Last evaluated: 2025-09-04. Review status: criteria provided, single submitter. Criteria: Ambry Variant Classification Scheme 2023. Collection method: clinical testing. Allele origin: germline.

Myriad Genetics, Inc.
Classification: Benign for Familial cancer of breast. Last evaluated: 2024-05-15. Review status: criteria provided, single submitter. Criteria: Myriad Autosomal Dominant, Autosomal Recessive and X-Linked Classification Criteria (2023). Collection method: clinical testing. Allele origin: unknown.
Comment: This variant is considered benign. This variant is a silent/synonymous amino acid change and it is not expected to impact splicing.

Labcorp Genetics (formerly Invitae), Labcorp
Classification: Likely benign for Ataxia-telangiectasia syndrome. Last evaluated: 2021-01-15. Review status: criteria provided, single submitter. Criteria: Invitae Variant Classification Sherloc (09022015). Collection method: clinical testing. Allele origin: germline.

NM_000051.4(ATM):c.3810C>T (p.Ser1270=)

Gene: ATM (ATM serine/threonine kinase; plus strand). Cytogenetic location: 11q22.3.
Variant type: single nucleotide variant.
Coding change: c.3810C>T on transcript NM_000051.4 (MANE Select); coding-DNA position 3810, C replaced by T.
Protein change: p.Ser1270=; no amino-acid change (serine 1270 retained).
Molecular consequence: synonymous variant.
Genome position (GRCh38, 1-based): chr11:108,284,290, C>T. VCF-style: chr11-108284290-C-T. GRCh37 (hg19) VCF-style: chr11-108155017-C-T.
Other names: c.3810C>T, p.Ser1270= (NM_001351834.2); c.3810C>T (NM_000051.3).
Identifiers: ClinVar variation 1633681 (VCV001633681.10), dbSNP rs2135705736, ClinGen allele CA476745009.